The following continues an entry in ClinVar:

NM_024301.5(FKRP):c.826C>A (p.Leu276Ile)

Gene: FKRP. ClinVar aggregate classification (germline): Pathogenic/Likely pathogenic. Pathogenic (52); Likely pathogenic (5).

Submissions 44 to 62 of 64:

Myriad Genetics, Inc.
Classification: Pathogenic for Autosomal recessive limb-girdle muscular dystrophy type 2I. Last evaluated: 2019-12-17. Review status: criteria provided, single submitter. Criteria: Myriad Women's Health Autosomal Recessive and X-Linked Classification Criteria (2019). Collection method: clinical testing. Allele origin: unknown.
Comment: NM_024301.4(FKRP):c.826C>A(L276I) is classified as pathogenic in the context of FKRP-related disorders. Sources cited for classification include the following: PMID 15574464, 23591631, 19900540, 11741828 and 18639457. Classification of NM_024301.4(FKRP):c.826C>A(L276I) is based on the following criteria: This is a well-established pathogenic variant in the literature that has been observed more frequently in patients with clinical diagnoses than in healthy populations. Please note: this variant was assessed in the context of healthy population screening.

Institute of Human Genetics Munich, TUM University Hospital
Classification: Pathogenic for Autosomal recessive limb-girdle muscular dystrophy type 2I. Last evaluated: 2019-06-11. Review status: criteria provided, single submitter. Criteria: Classification criteria August 2017. Collection method: clinical testing. Allele origin: inherited. Inheritance: Autosomal recessive inheritance. Affected: yes. Observed: 1 homozygote.

Cambridge Genomics Laboratory, East Genomic Laboratory Hub, NHS Genomic Medicine Service
Classification: Pathogenic for Hereditary skeletal muscle disorder. Last evaluated: 2019-04-17. Review status: criteria provided, single submitter. Criteria: ACGS Best Practice Guidelines for Variant Classification in Rare Disease 2020. Collection method: clinical testing. Allele origin: germline. Affected: yes. Observed: 1 variant allele.

Broad Center for Mendelian Genomics, Broad Institute of MIT and Harvard
Classification: Pathogenic for Autosomal recessive limb-girdle muscular dystrophy type 2I. Last evaluated: 2018-12-03. Review status: criteria provided, single submitter. Criteria: ACMG Guidelines, 2015. Collection method: research. Allele origin: germline. Inheritance: Autosomal recessive inheritance. Affected: yes.
Comment: This variant has been identified in 0.1089% (160/146958) of chromosomes in the Genome Aggregation Database (gnomAD; dbSNP rs28937900). Although this variant has been seen in the general population, its frequency is low enough to be consistent with a recessive carrier frequency. Functional studies provide some evidence that the p.Leu276Ile variant may impact protein function (PMID: 11741828, 15580560, 23591631). However, these types of assays may not accurately represent biological function. There are many reports of individuals with limb-girdle muscular dystrophy that are homozygous or compound heterozygous for the variant in ClinVar and the literature. In summary, the clinical significance of the p.Leu276Ile variant is pathogenic based off of our findings, multiple reports in ClinVar, and the literature. ACMG/AMP Criteria applied: PM2, PS3, PM3_Strong, PP3 (Richards 2015).

Centre for Mendelian Genomics, University Medical Centre Ljubljana
Classification: Pathogenic for Muscular dystrophy-dystroglycanopathy type B5. Last evaluated: 2018-10-24. Review status: criteria provided, single submitter. Criteria: ACMG Guidelines, 2015. Collection method: clinical testing. Allele origin: unknown. Affected: yes.
Comment: This variant was classified as: Pathogenic. The following ACMG criteria were applied in classifying this variant: PS1,PS3,PM2,PP3.

ARUP Laboratories, Molecular Genetics and Genomics, ARUP Laboratories
Classification: Pathogenic. Last evaluated: 2017-07-18. Review status: criteria provided, single submitter. Criteria: ARUP Molecular Germline Variant Investigation Process. Collection method: clinical testing. Allele origin: germline.
Comment: The p.Leu276Ile variant is the most frequently observed variant in limb girdle muscular dystrophy 2I (LGMD2I) and is predicted to be a founder variant of European origin (Brockington et al. 2001, Hanisch et al. 2010, and Frosk et al. 2005). Functional in vitro studies show that the p.Leu276Ile variant decreases the secretion of FKRP protein (Lu et al. 2010). In a 10 patient cohort, all homozygous for the p.Leu276Ile variant, patients displayed reduced left ventricle ejection fractions and reduced stoke volume but did not have left ventricle hypertrophy (Hollingsworth et al. 2013). This variant is listed multiple times as a pathogenic variant in ClinVar (see link below) and meets our criteria to be classified as a pathogenic variant. However, our analysis cannot detect variants in deep intronic or enhancer regions; therefore, the presence of additional pathogenic variants in these regions cannot be excluded. Symptomatic heterozygous carriers have been reported at least once in literature and present with a milder phenotype. (Schottlaender et al. 2015)

Center for Pediatric Genomic Medicine, Children's Mercy Hospital and Clinics
Classification: Pathogenic. Last evaluated: 2017-02-02. Review status: criteria provided, single submitter. Criteria: ACMG Guidelines, 2015. Collection method: clinical testing. Allele origin: germline.

Eurofins Ntd Llc (ga)
Classification: Pathogenic. Last evaluated: 2017-01-18. Review status: criteria provided, single submitter. Criteria: EGL Classification Definitions. Collection method: clinical testing. Allele origin: germline. Observed: 149 variant alleles, 74 heterozygotes, 75 homozygotes.

Undiagnosed Diseases Network, NIH
Classification: Pathogenic for Autosomal recessive limb-girdle muscular dystrophy type 2I. Last evaluated: 2017-01-11. Review status: criteria provided, single submitter. Criteria: ACMG Guidelines, 2015. Collection method: clinical testing. Allele origin: paternal. Inheritance: Autosomal recessive inheritance. Affected: yes. Observed: 2 variant alleles, 2 compound heterozygotes. Clinical features observed: Vertigo (HP:0002321), Tinnitus (HP:0000360), Scoliosis (HP:0002650), Rhabdomyolysis (HP:0003201), Postural hypotension with compensatory tachycardia (HP:0005307), Paresthesia (HP:0003401), Palpitations (HP:0001962), Pain (HP:0012531), Myopia (HP:0000545), Memory impairment (HP:0002354), Joint hypermobility (HP:0001382), Hyperextensible skin of face (HP:0007425), and 9 more. Study: Undiagnosed Diseases Network (NIH), UDN.

Centre for Mendelian Genomics, University Medical Centre Ljubljana
Classification: Pathogenic for Difficulty climbing stairs; Difficulty standing; Gait disturbance; Gait imbalance; Headache; Muscle weakness; Paresthesia; Scapular winging. Last evaluated: 2017-01-01. Review status: criteria provided, single submitter. Criteria: ACMG Guidelines, 2015. Collection method: clinical testing. Allele origin: unknown. Affected: yes.

Genetic Services Laboratory, University of Chicago
Classification: Pathogenic for Muscular dystrophy-dystroglycanopathy. Last evaluated: 2016-12-20. Review status: criteria provided, single submitter. Criteria: ACMG Guidelines, 2015. Collection method: clinical testing. Allele origin: germline. Affected: yes.

Clinical Genetics and Genomics, Karolinska University Hospital
Classification: Likely pathogenic. Last evaluated: 2015-01-19. Review status: criteria provided, single submitter. Criteria: ACMG Guidelines, 2015. Collection method: clinical testing. Allele origin: germline. Affected: yes. Observed: 21 variant alleles.

Center for Genomics, Ann and Robert H. Lurie Children's Hospital of Chicago
Classification: Pathogenic for Muscular dystrophy-dystroglycanopathy type B5; Autosomal recessive limb-girdle muscular dystrophy type 2I; Muscular dystrophy-dystroglycanopathy (congenital with brain and eye anomalies), type A5. Review status: criteria provided, single submitter. Criteria: ACMG Guidelines, 2015. Collection method: clinical testing. Allele origin: germline.
Comment: FKRP NM_024301.4 exon 4 p.Leu276Ile (c.826C>A): This variant is a well reported and established mutation in the literature, identified in several individuals with Limb-Girdle Muscular Dystrophy Type 2I, in the homozygous and compound heterozygous state, including an entry in GeneReviews (Brockington 2001 PMID:11741828, Frosk 2005 PMID:15580560, Pegoaro 2012 PMID:20301582, Alhamidi 2017 PMID:28479227). This variant is present in 0.2% (130/57750) of European alleles in the Genome Aggregation Database. In addition, this variant is known to be a founder mutation and has been identified at increased frequency in the Hutterite population (Frosk 2005 PMID:15580560). Please note, disease causing variants may be present in control databases at low frequencies, reflective of the general population and/or variable expressivity. This variant is present in ClinVar, with several labs classifying this variant as pathogenic (Variation ID:4221). Evolutionary conservation and computational predictive tools for this variant are unclear. Functional studies, including a mouse model, predict that this variant will impact the protein, suggestive of the progressive loss of ÃŽÂ±-dystroglycan specific glycosylation (Krag 2015 PMID:26574668). In summary, this variant is classified as pathogenic.

Equipe Genetique des Anomalies du Developpement, Université de Bourgogne
Classification: Likely pathogenic for Myopathy. Review status: criteria provided, single submitter. Criteria: ACMG Guidelines, 2015. Collection method: clinical testing. Allele origin: unknown. Affected: yes.

OMIM
Classification: Pathogenic for MUSCULAR DYSTROPHY-DYSTROGLYCANOPATHY (LIMB-GIRDLE), TYPE C, 5. Last evaluated: 2012-10-05. Review status: no assertion criteria provided. Collection method: literature only. Allele origin: germline. Not counted in ClinVar's aggregate classification.

Clinical Genetics DNA and cytogenetics Diagnostics Lab, Erasmus MC, Erasmus Medical Center
Classification: Pathogenic. Review status: no assertion criteria provided. Collection method: clinical testing. Allele origin: germline. Affected: yes. Study: VKGL Data-share Consensus. Not counted in ClinVar's aggregate classification.

Clinical Genetics, Academic Medical Center
Classification: Pathogenic. Review status: no assertion criteria provided. Collection method: clinical testing. Allele origin: germline. Affected: yes. Study: VKGL Data-share Consensus. Not counted in ClinVar's aggregate classification.

Genome Diagnostics Laboratory, Amsterdam University Medical Center
Classification: Pathogenic. Review status: no assertion criteria provided. Collection method: clinical testing. Allele origin: germline. Affected: yes. Study: VKGL Data-share Consensus. Not counted in ClinVar's aggregate classification.

Genome Diagnostics Laboratory, University Medical Center Utrecht
Classification: Pathogenic. Review status: no assertion criteria provided. Collection method: clinical testing. Allele origin: germline. Affected: yes. Study: VKGL Data-share Consensus. Not counted in ClinVar's aggregate classification.